The following is an entry in ClinVar:

NM_206933.4(USH2A):c.4696C>T (p.Gln1566Ter)

Gene: USH2A (usherin; minus strand). Cytogenetic location: 1q41.
Variant type: single nucleotide variant.
Coding change: c.4696C>T on transcript NM_206933.4 (MANE Select); coding-DNA position 4696, C replaced by T.
Protein change: p.Gln1566Ter; replaces glutamine 1566 with a stop codon.
Molecular consequence: nonsense.
Genome position (GRCh38, 1-based): chr1:216,097,145, G>A on the plus strand (C>T on the coding strand, the complement: USH2A is on the minus strand). VCF-style: chr1-216097145-G-A. GRCh37 (hg19) VCF-style: chr1-216270487-G-A.
Other names: short protein forms Q1566*.
Identifiers: ClinVar variation 1451158 (VCV001451158.6), dbSNP rs966964402, ClinGen allele CA37455943.
Genomic context (GRCh38, chr1:216,097,145, plus strand): 5'-GAGGATCAAAAAGAAAATAAAGACGTCCCTTCTTCAACTGAAGTGCAAAATACTCTTCCT[G>A]ATTGCCAGGTGATGCTGCAAAGACAATCAAACCTTCAGGCACTTTTGTTCGAAAGCTGGC-3'

ClinVar aggregate classification (germline): Pathogenic (1 of 4 stars; one submission).

Submission:

Labcorp Genetics (formerly Invitae), Labcorp
Classification: Pathogenic. Last evaluated: 2021-05-27. Review status: criteria provided, single submitter. Criteria: Invitae Variant Classification Sherloc (09022015). Collection method: clinical testing. Allele origin: germline.
Comment: This sequence change creates a premature translational stop signal (p.Gln1566*) in the USH2A gene. It is expected to result in an absent or disrupted protein product. Loss-of-function variants in USH2A are known to be pathogenic (PMID: 10729113, 10909849, 20507924, 25649381). This variant is not present in population databases (ExAC no frequency). This variant has not been reported in the literature in individuals with USH2A-related conditions. For these reasons, this variant has been classified as Pathogenic.

Literature cited by the submitters: PubMed 10729113; PubMed 10909849; PubMed 20507924; PubMed 25649381.